The following is an entry in ClinVar:

ClinVar aggregate classification (germline): Uncertain significance (1 of 4 stars; one submission).

Conditions:
Cardiovascular phenotype. Identifiers: MedGen CN230736.

gnomAD v4.1: 1 of 1,550,572 alleles (0.000064%); highest among the groups gnomAD compares: Non-Finnish European, 0.000087%; no homozygotes.

Submission:

Ambry Genetics
Classification: Uncertain significance for Cardiovascular phenotype. Last evaluated: 2025-02-27. Review status: criteria provided, single submitter. Criteria: Ambry Variant Classification Scheme 2023. Collection method: clinical testing. Allele origin: germline.
Comment: The p.P1512L variant (also known as c.4535C>T), located in coding exon 2 of the ZNF469 gene, results from a C to T substitution at nucleotide position 4535. The proline at codon 1512 is replaced by leucine, an amino acid with similar properties. This amino acid position is conserved. In addition, this alteration is predicted to be tolerated by in silico analysis. Based on the available evidence, the clinical significance of this variant remains unclear.

NM_001367624.2(ZNF469):c.4619C>T (p.Pro1540Leu)

Gene: ZNF469 (zinc finger protein 469; plus strand). Cytogenetic location: 16q24.2.
Variant type: single nucleotide variant.
Coding change: c.4619C>T on transcript NM_001367624.2 (MANE Select); coding-DNA position 4619, C replaced by T.
Protein change: p.Pro1540Leu; replaces proline 1540 with leucine.
Molecular consequence: missense variant.
Genome position (GRCh38, 1-based): chr16:88,432,089, C>T. VCF-style: chr16-88432089-C-T. GRCh37 (hg19) VCF-style: chr16-88498497-C-T.
Other names: NM_001127464.1:c.4535C>T; short protein forms P1540L.
Identifiers: ClinVar variation 3821160 (VCV003821160.1).